The following is an entry in ClinVar:

NM_005267.5(GJA8):c.163A>G (p.Asn55Asp)

Gene: GJA8 (gap junction protein alpha 8; plus strand). Cytogenetic location: 1q21.2.
Variant type: single nucleotide variant.
Coding change: c.163A>G on transcript NM_005267.5 (MANE Select); coding-DNA position 163, A replaced by G.
Protein change: p.Asn55Asp; replaces asparagine 55 with aspartic acid.
Molecular consequence: missense variant.
Genome position (GRCh38, 1-based): chr1:147,908,118, A>G. VCF-style: chr1-147908118-A-G. GRCh37 (hg19) VCF-style: chr1-147380245-A-G.
Other names: short protein forms N55D.
Identifiers: ClinVar variation 1030900 (VCV001030900.2), dbSNP rs1651879248, ClinGen allele CA342223384.

ClinVar aggregate classification (germline): Uncertain significance. Review status: criteria provided, multiple submitters, no conflicts (2 of 4 stars). 2 submissions from 2 submitters: Uncertain significance (2). Last evaluated 2023-01-21.

Conditions:
Cataract 1 multiple types. Also called: CATARACT 1, MULTIPLE TYPES, WITH OR WITHOUT MICROCORNEA; CATARACT 1, NUCLEAR PROGRESSIVE; CATARACT 1 WITH MICROCORNEA; CATARACT 1, POSTERIOR SUBCAPSULAR, WITH MICROCORNEA; CATARACT 1, STELLATE NUCLEAR, WITH MICROCORNEA; CATARACT, DUFFY-LINKED. Identifiers: Orphanet 1377, MedGen C1861828, MONDO:0007285, OMIM 116200.

Submissions (2):

Dept. Genetics and Cancer, Menzies Institute for Medical Research, University of Tasmania
Classification: Uncertain significance for Cataract 1 multiple types. Last evaluated: 2023-01-21. Review status: criteria provided, single submitter. Criteria: ACMG Guidelines, 2015. Collection method: curation. Allele origin: germline. Affected: yes.
Comment: Variant identified and curated during a GJA8 specific review of the literature in relation to pediatric or congenital cataract. ACMG-AMP criteria applied: PM1(Supporting), PM2(Supporting), PP3. Original variant report: PMID:30076350. Gene review and curation guidelines are outlined in: DOI 10.1080/17469899.2023.2160320

Baylor Genetics
Classification: Uncertain significance for Cataract 1 multiple types. Last evaluated: 2019-08-23. Review status: criteria provided, single submitter. Criteria: ACMG Guidelines, 2015. Collection method: clinical testing. Allele origin: unknown. Affected: yes.
Comment: This variant was determined to be of uncertain significance according to ACMG Guidelines, 2015 [PMID:25741868].

Literature cited by the submitters: PubMed 30076350 (cited by Dept. Genetics and Cancer, Menzies Institute for Medical Research, University of Tasmania).